The following is an entry in ClinVar:

ClinVar aggregate classification (germline): Pathogenic (1 of 4 stars; one submission).

Submission:

GeneDx
Classification: Pathogenic. Last evaluated: 2026-03-11. Review status: criteria provided, single submitter. Criteria: GeneDx Variant Classification Process June 2021. Collection method: clinical testing. Allele origin: germline.
Comment: Canonical splice site variant predicted to result in a null allele in a gene for which loss of function is a known mechanism of disease; Not observed at significant frequency in large population cohorts (gnomAD); This variant is associated with the following publications: (PMID: 35038833, 20637903, 15668050, 11180593, 9837815)

NM_004586.3(RPS6KA3):c.632-1G>T

Gene: RPS6KA3 (ribosomal protein S6 kinase A3; minus strand). Cytogenetic location: Xp22.12.
Variant type: single nucleotide variant.
Coding change: c.632-1G>T on transcript NM_004586.3 (MANE Select); the canonical splice acceptor site of the intron before coding-DNA position 632, G replaced by T.
Molecular consequence: splice acceptor variant.
Genome position (GRCh38, 1-based): chrX:20,187,971, C>A on the plus strand (G>T on the coding strand, the complement: RPS6KA3 is on the minus strand). VCF-style: chrX-20187971-C-A. GRCh37 (hg19) VCF-style: chrX-20206089-C-A.
Other names: c.548-1G>T (NM_001438340.1).
Identifiers: ClinVar variation 4891313 (VCV004891313.1).